The following is an entry in ClinVar:

ClinVar aggregate classification (germline): Uncertain significance (1 of 4 stars; one submission).

Conditions:
Inborn genetic diseases. Identifiers: MedGen C0950123, MeSH D030342.

Submission:

Ambry Genetics
Classification: Uncertain significance for Inborn genetic diseases. Last evaluated: 2025-04-28. Review status: criteria provided, single submitter. Criteria: Ambry Variant Classification Scheme 2023. Collection method: clinical testing. Allele origin: germline.
Comment: The c.1632dupG variant, located in coding exon 16 of the DDX41 gene, results from a duplication of G at nucleotide position 1632, causing a translational frameshift with a predicted alternate stop codon (p.L545Afs*27). This alteration occurs at the 3' terminus of theDDX41 gene, is not expected to trigger nonsense-mediated mRNAdecay, and impacts the last 12.5% of the protein. The exact functional effect of this alteration is unknown. Based on the available evidence, the clinical significance of this variant remains unclear.

NM_016222.4(DDX41):c.1632dup (p.Leu545fs)

Gene: DDX41 (DEAD-box helicase 41; minus strand). Cytogenetic location: 5q35.3.
Variant type: Duplication.
Coding change: c.1632dup on transcript NM_016222.4 (MANE Select); coding-DNA position 1632, one base duplicated (G; older notation c.1632dupG).
Protein change: p.Leu545fs; shifts the reading frame from leucine 545.
Molecular consequence: frameshift variant.
Genome position (GRCh38, 1-based): chr5:177,512,196, C duplicated on the plus strand (G on the coding strand, the reverse complement: DDX41 is on the minus strand). VCF-style (leftmost placement, unchanged base first): chr5-177512195-G-GC. GRCh37 (hg19) VCF-style: chr5-176939196-G-GC.
Other names: c.1254dup, p.Leu419fs (NM_001321732.2, NM_001321830.2); short protein forms L419fs, L545fs.
Identifiers: ClinVar variation 4010300 (VCV004010300.1).
Genomic context (GRCh38, chr5:177,512,195, plus strand): 5'-CCTGCAGCACGGGCGGCACCTTCTGCTTGGCTTCTAGCAGCAGCGCTTTGAGGTCCATCA[G>GC]CACTGACTCATCTGGGGGAGGAGTGGGGAAGCATCAGGGCCCATCCTGGGCTCTGTGGCC-3'